The following is an entry in ClinVar:

NM_017841.4(SDHAF2):c.20T>A (p.Phe7Tyr)

Gene: SDHAF2 (succinate dehydrogenase complex assembly factor 2; plus strand). Cytogenetic location: 11q12.2.
Variant type: single nucleotide variant.
Coding change: c.20T>A on transcript NM_017841.4 (MANE Select); coding-DNA position 20, T replaced by A.
Protein change: p.Phe7Tyr; replaces phenylalanine 7 with tyrosine.
Molecular consequence: missense variant.
Genome position (GRCh38, 1-based): chr11:61,430,166, T>A. VCF-style: chr11-61430166-T-A. GRCh37 (hg19) VCF-style: chr11-61197638-T-A.
Other names: short protein forms F7Y.
Identifiers: ClinVar variation 2812145 (VCV002812145.3), dbSNP rs1311192006, ClinGen allele CA380680168.
Genomic context (GRCh38, chr11:61,430,166, plus strand): 5'-GGAAGTGCCCGCGCAGCCGGTTTCCGGTGCAGGTGGGGAAAATGGCGGTGTCTACAGTGT[T>A]CTCGACTTCGTCGCTGGTGAGGAGAGAGAACGTTCTAGCGTCCGGGGCGGGCGGCAGCGG-3'
Protein context (NP_060311.1, residues 1-17): MAVSTV[Phe7Tyr]STSSLMLALS

ClinVar aggregate classification (germline): Uncertain significance (1 of 4 stars; one submission).

Conditions:
Hereditary pheochromocytoma and paraganglioma. Also called: Hereditary Paraganglioma-Pheochromocytoma Syndromes; Hereditary pheochromocytoma-paraganglioma; Hereditary paragangliomas and pheochromocytomas. Identifiers: Orphanet 29072, MedGen C4274332, MONDO:0017366.

Submission:

Labcorp Genetics (formerly Invitae), Labcorp
Classification: Uncertain significance for Hereditary pheochromocytoma and paraganglioma. Last evaluated: 2022-11-04. Review status: criteria provided, single submitter. Criteria: Invitae Variant Classification Sherloc (09022015). Collection method: clinical testing. Allele origin: germline.
Comment: In summary, the available evidence is currently insufficient to determine the role of this variant in disease. Therefore, it has been classified as a Variant of Uncertain Significance. Algorithms developed to predict the effect of missense changes on protein structure and function (SIFT, PolyPhen-2, Align-GVGD) all suggest that this variant is likely to be tolerated. This variant has not been reported in the literature in individuals affected with SDHAF2-related conditions. This variant is not present in population databases (gnomAD no frequency). This sequence change replaces phenylalanine, which is neutral and non-polar, with tyrosine, which is neutral and polar, at codon 7 of the SDHAF2 protein (p.Phe7Tyr).